The following is an entry in ClinVar:

ClinVar aggregate classification (germline): Benign. Review status: criteria provided, multiple submitters, no conflicts (2 of 4 stars). 7 submissions from 7 submitters: Benign (5). 2 of the submissions do not count toward it. Last evaluated 2026-02-04.

Conditions:
Charcot-Marie-Tooth disease dominant intermediate E. Also called: CHARCOT-MARIE-TOOTH NEUROPATHY WITH FOCAL SEGMENTAL GLOMERULONEPHRITIS. Identifiers: Orphanet 93114, MedGen C4302667, MONDO:0013758, OMIM 614455.
Focal segmental glomerulosclerosis 5 (FSGS5). Identifiers: Orphanet 656, MedGen C2750475, MONDO:0013191, OMIM 613237.

Allele frequency attached by ClinVar (database versions not stated): gnomAD exomes 0.09742 and 0.10709; ExAC 0.11429; ESP Exome Variant Server 0.20087; gnomAD 0.20394 and 0.21385; 1000 Genomes Project 0.20567; 1000 Genomes Project 30x 0.21471; TOPMed 0.21996.
gnomAD v4.1: 174,474 of 1,611,970 alleles (11%); highest among the groups gnomAD compares: African/African-American, 51%; 16,737 homozygotes.

Submissions (7):

Labcorp Genetics (formerly Invitae), Labcorp
Classification: Benign for Charcot-Marie-Tooth disease dominant intermediate E; Focal segmental glomerulosclerosis 5. Last evaluated: 2026-02-04. Review status: criteria provided, single submitter. Criteria: Invitae Variant Classification Sherloc (09022015). Collection method: clinical testing. Allele origin: germline.

Blueprint Genetics
Classification: Benign. Last evaluated: 2024-11-27. Review status: criteria provided, single submitter. Criteria: ACMG Guidelines, 2015. Collection method: clinical testing. Allele origin: germline.

GeneDx
Classification: Benign. Last evaluated: 2015-12-29. Review status: criteria provided, single submitter. Criteria: GeneDx Variant Classification (06012015). Collection method: clinical testing. Allele origin: germline. Affected: yes.
Comment: This variant is considered likely benign or benign based on one or more of the following criteria: it is a conservative change, it occurs at a poorly conserved position in the protein, it is predicted to be benign by multiple in silico algorithms, and/or has population frequency not consistent with disease.

Breakthrough Genomics
Classification: Benign. Review status: criteria provided, single submitter. Criteria: ACMG Guidelines, 2015. Collection method: not provided. Allele origin: germline. Inheritance: Autosomal dominant inheritance. Affected: yes.

PreventionGenetics, part of Exact Sciences
Classification: Benign. Review status: criteria provided, single submitter. Criteria: ACMG Guidelines, 2015. Collection method: clinical testing. Allele origin: germline.

Clinical Genetics, Academic Medical Center
Classification: Benign. Review status: no assertion criteria provided. Collection method: clinical testing. Allele origin: germline. Affected: yes. Study: VKGL Data-share Consensus. Not counted in ClinVar's aggregate classification.

Joint Genome Diagnostic Labs from Nijmegen and Maastricht, Radboudumc and MUMC+
Classification: Benign. Review status: no assertion criteria provided. Collection method: clinical testing. Allele origin: germline. Affected: yes. Study: VKGL Data-share Consensus. Not counted in ClinVar's aggregate classification.

NM_022489.4(INF2):c.1949+16A>G

Genes: INF2 (inverted formin 2; plus strand), LOC130056630 (ATAC-STARR-seq lymphoblastoid silent region 6194; plus strand). Cytogenetic location: 14q32.33.
Variant type: single nucleotide variant.
Coding change: c.1949+16A>G on transcript NM_022489.4 (MANE Select); 16 bases into the intron after coding-DNA position 1949, A replaced by G.
Molecular consequence: intron variant.
Genome position (GRCh38, 1-based): chr14:104,708,748, A>G. VCF-style: chr14-104708748-A-G. GRCh37 (hg19) VCF-style: chr14-105175085-A-G.
Other names: c.1949+16A>G (NM_001031714.4).
Identifiers: ClinVar variation 261605 (VCV000261605.19), dbSNP rs11850821, ClinGen allele CA7372735.